The following is an entry in ClinVar:

ClinVar aggregate classification (germline): Benign/Likely benign. Review status: criteria provided, multiple submitters, no conflicts (2 of 4 stars). 3 submissions from 3 submitters: Benign (2); Likely benign (1). Last evaluated 2026-09-01.

Conditions:
LRP1-related disorder. Also called: LRP1-related condition.

Allele frequency attached by ClinVar (database versions not stated): gnomAD 0.00271 and 0.00282; 1000 Genomes Project 30x 0.00047; 1000 Genomes Project 0.00060; TOPMed 0.00080; ESP Exome Variant Server 0.00108; gnomAD exomes 0.00155 and 0.00232; ExAC 0.00219.
gnomAD v4.1: 2,643 of 1,614,134 alleles (0.16%); highest among the groups gnomAD compares: Non-Finnish European, 0.13%; 16 homozygotes.

Submissions (3):

CeGaT Center for Human Genetics Tuebingen
Classification: Likely benign. Last evaluated: 2026-09-01. Review status: criteria provided, single submitter. Criteria: CeGaT Center For Human Genetics Tuebingen Variant Classification Criteria Version 2. Collection method: clinical testing. Allele origin: germline. Affected: yes. Observed: 6 variant alleles.
Comment: LRP1: BS2

PreventionGenetics, part of Exact Sciences
Classification: Benign for LRP1-related condition. Last evaluated: 2025-06-02. Review status: criteria provided, single submitter. Criteria: ACMG Guidelines, 2015. Collection method: clinical testing. Allele origin: germline.
Comment: This variant is classified as benign based on ACMG/AMP sequence variant interpretation guidelines (Richards et al. 2015 PMID: 25741868, with internal and published modifications).

Labcorp Genetics (formerly Invitae), Labcorp
Classification: Benign. Last evaluated: 2019-12-31. Review status: criteria provided, single submitter. Criteria: Invitae Variant Classification Sherloc (09022015). Collection method: clinical testing. Allele origin: germline.

NM_002332.3(LRP1):c.7838G>A (p.Arg2613Gln)

Gene: LRP1 (LDL receptor related protein 1; plus strand). Cytogenetic location: 12q13.3.
Variant type: single nucleotide variant.
Coding change: c.7838G>A on transcript NM_002332.3 (MANE Select); coding-DNA position 7838, G replaced by A.
Protein change: p.Arg2613Gln; replaces arginine 2613 with glutamine.
Molecular consequence: missense variant.
Genome position (GRCh38, 1-based): chr12:57,193,932, G>A. VCF-style: chr12-57193932-G-A. GRCh37 (hg19) VCF-style: chr12-57587715-G-A.
Other names: short protein forms R2613Q.
Identifiers: ClinVar variation 721573 (VCV000721573.29), dbSNP rs150340911, ClinGen allele CA6644187.